The following is an entry in ClinVar:

NM_001379291.1(BRD4):c.1982C>T (p.Pro661Leu)

Gene: BRD4 (bromodomain containing 4; minus strand). Cytogenetic location: 19p13.12.
Variant type: single nucleotide variant.
Coding change: c.1982C>T on transcript NM_001379291.1 (MANE Select); coding-DNA position 1982, C replaced by T.
Protein change: p.Pro661Leu; replaces proline 661 with leucine.
Molecular consequence: missense variant.
Genome position (GRCh38, 1-based): chr19:15,255,362, G>A on the plus strand (C>T on the coding strand, the complement: BRD4 is on the minus strand). VCF-style: chr19-15255362-G-A. GRCh37 (hg19) VCF-style: chr19-15366173-G-A.
Other names: c.1982C>T, p.Pro661Leu (NM_001330384.2, NM_001379292.1, NM_014299.3 and 1 more transcripts); short protein forms P661L.
Identifiers: ClinVar variation 2446476 (VCV002446476.1), dbSNP rs2047396651, ClinGen allele CA404518697.
Genomic context (GRCh38, chr19:15,255,362, plus strand): 5'-GGTTTCCTTTTCTTCCGCAAACAGGAGGTGACATAGCGCTCCAGCTCACGCAGTGTGGAC[G>A]GCTTCAGGGTCTCAAAGTCGATTTCAATCTCGTCGGGGTTGGAATTCTTCAGGGAGGGCT-3'
Protein context (NP_001366220.1, residues 651-671): EIEIDFETLK[Pro661Leu]STLRELERYV

ClinVar aggregate classification (germline): Uncertain significance (1 of 4 stars; one submission).

Allele frequency attached by ClinVar (database versions not stated): gnomAD exomes below 0.00001; gnomAD 0.00001; TOPMed 0.00001.
gnomAD v4.1: 3 of 1,613,968 alleles (0.00019%); highest among the groups gnomAD compares: African/African-American, 0.0013%; no homozygotes.

Submission:

GeneDx
Classification: Uncertain significance. Last evaluated: 2022-09-29. Review status: criteria provided, single submitter. Criteria: GeneDx Variant Classification Process June 2021. Collection method: clinical testing. Allele origin: germline. Affected: yes.
Comment: Not observed at significant frequency in large population cohorts (gnomAD); In silico analysis supports that this missense variant has a deleterious effect on protein structure/function; Has not been previously published as pathogenic or benign to our knowledge